The following is an entry in ClinVar:

ClinVar aggregate classification (germline): Conflicting classifications of pathogenicity. Review status: criteria provided, conflicting classifications (1 of 4 stars). 15 submissions from 10 submitters: Likely pathogenic (1); Uncertain significance (1); Benign (5); Likely benign (5). 3 of the submissions do not count toward it. Last evaluated 2026-01-30.

Conditions:
PRPH2-related disorder. Also called: PRPH2-related disorders; PRPH2-related condition. Identifiers: MedGen CN239395.
Cone-rod dystrophy. Also called: Cone-rod degeneration; Cone/cone-rod dystrophy. Identifiers: Orphanet 1872, MedGen C4085590, MONDO:0015993, HP:0000548.
Retinal dystrophy. Also called: Inherited retinal dystrophy. Identifiers: Orphanet 71862, MedGen C0854723, MeSH D058499, MONDO:0019118, HP:0000556.
Adult-onset foveomacular vitelliform dystrophy. Also called: FOVEOMACULAR DYSTROPHY, ADULT-ONSET; FOVEOMACULAR DYSTROPHY, ADULT-ONSET, WITH OR WITHOUT CHOROIDAL NEOVASCULARIZATION; Adult onset vitelliform dystrophy. Identifiers: Orphanet 99000, MedGen C1842914, MONDO:0011979.
Retinitis pigmentosa (RP). Identifiers: Orphanet 791, MedGen C0035334, MeSH D012174, MONDO:0019200, OMIM 268000. Inheritance: Autosomal dominant, autosomal recessive and X linked inheritance.
Patterned macular dystrophy 1. Also called: BUTTERFLY DYSTROPHY OF RETINAL PIGMENT EPITHELIUM; MACULAR DYSTROPHY, BUTTERFLY-SHAPED PIGMENTARY. Identifiers: Orphanet 99001, MedGen C4551999, MONDO:0008210, OMIM 169150.
Choroidal dystrophy, central areolar 2 (CACD2). Also called: MACULAR DYSTROPHY, PROGRESSIVE; Choriodal Dystrophy, Central Areolar 2. Identifiers: Orphanet 75377, MedGen C2751290, MONDO:0013137, OMIM 613105.
Pigmentary retinal dystrophy. Also called: Fundus albipunctatus. Identifiers: Orphanet 227796, Orphanet 52427, MedGen C0311338, MONDO:0007639, OMIM 136880, HP:0030642.

Allele frequency attached by ClinVar (database versions not stated): ESP Exome Variant Server 0.00008; TOPMed 0.00017; gnomAD 0.00018 and 0.00027; gnomAD exomes 0.00043; ExAC 0.00049; 1000 Genomes Project 30x 0.00078; 1000 Genomes Project 0.00100.
gnomAD v4.1: 746 of 1,613,962 alleles (0.046%); highest among the groups gnomAD compares: South Asian, 0.31%; 1 homozygote.

Submissions (15):

GeneDx
Classification: Uncertain significance. Last evaluated: 2026-01-30. Review status: criteria provided, single submitter. Criteria: GeneDx Variant Classification Process June 2021. Collection method: clinical testing. Allele origin: germline.
Comment: In silico analysis supports that this missense variant has a deleterious effect on protein structure/function; Observed in a patient with a clinical diagnosis of Bardet-Biedl syndrome in the published literature, but zygosity, familial segregation information and additional clinical information were not included (Sohocki et al., 2001); Observed in the heterozygous state in one patient with retinitis pigmentosa and in another patient with a clinical diagnosis of Stargardt disease in the published literature, but familial segregation information and additional clinical information were not included (PMID: 25474345, 31213501); This variant is associated with the following publications: (PMID: 25474345, 11139241, 34411390, 31213501, 38743414)

Labcorp Genetics (formerly Invitae), Labcorp
Classification: Likely benign for PRPH2-related disorder. Last evaluated: 2025-11-18. Review status: criteria provided, single submitter. Criteria: Invitae Variant Classification Sherloc (09022015). Collection method: clinical testing. Allele origin: germline.

Blueprint Genetics
Classification: Likely benign. Last evaluated: 2024-09-03. Review status: criteria provided, single submitter. Criteria: ACMG Guidelines, 2015. Collection method: clinical testing. Allele origin: germline.

Dept Of Ophthalmology, Nagoya University
Classification: Benign for Retinal dystrophy. Last evaluated: 2023-10-01. Review status: criteria provided, single submitter. Criteria: Submitter's publication. Collection method: research. Allele origin: germline. Affected: yes.

Illumina Laboratory Services, Illumina
Classification: Likely benign for Pigmentary retinal dystrophy. Last evaluated: 2017-04-28. Review status: criteria provided, single submitter. Criteria: ICSL Variant Classification Criteria 13 December 2019. Collection method: clinical testing. Allele origin: germline.
Comment: This variant was observed as part of a predisposition screen in an ostensibly healthy population. A literature search was performed for the gene, cDNA change, and amino acid change (where applicable). No publications were found based on this search. Allele frequency data from public databases allowed determination this variant is unlikely to cause disease. Therefore, this variant is classified as likely benign.

Illumina Laboratory Services, Illumina
Classification: Benign for Choroidal dystrophy, central areolar 2. Last evaluated: 2017-04-28. Review status: criteria provided, single submitter. Criteria: ICSL Variant Classification Criteria 13 December 2019. Collection method: clinical testing. Allele origin: germline.
Comment: This variant was observed as part of a predisposition screen in an ostensibly healthy population. A literature search was performed for the gene, cDNA change, and amino acid change (where applicable). No publications were found based on this search. Allele frequency data from public databases was too high to be consistent with this variant causing disease. Therefore, this variant is classified as benign.

Illumina Laboratory Services, Illumina
Classification: Benign for Retinitis pigmentosa. Last evaluated: 2017-04-28. Review status: criteria provided, single submitter. Criteria: ICSL Variant Classification Criteria 13 December 2019. Collection method: clinical testing. Allele origin: germline.
Comment: This variant was observed as part of a predisposition screen in an ostensibly healthy population. A literature search was performed for the gene, cDNA change, and amino acid change (where applicable). Publications were found based on this search. The evidence from the literature, in combination with allele frequency data from public databases where available, was sufficient to rule this variant out of causing disease. Therefore, this variant is classified as benign.

Illumina Laboratory Services, Illumina
Classification: Benign for Vitelliform macular dystrophy 3. Last evaluated: 2017-04-28. Review status: criteria provided, single submitter. Criteria: ICSL Variant Classification Criteria 13 December 2019. Collection method: clinical testing. Allele origin: germline.
Comment: the same text as in the submission from Illumina Laboratory Services, Illumina above.

Illumina Laboratory Services, Illumina
Classification: Benign for Cone-rod dystrophy. Last evaluated: 2017-04-28. Review status: criteria provided, single submitter. Criteria: ICSL Variant Classification Criteria 13 December 2019. Collection method: clinical testing. Allele origin: germline.
Comment: the same text as in the submission from Illumina Laboratory Services, Illumina above.

Illumina Laboratory Services, Illumina
Classification: Likely benign for Patterned macular dystrophy 1. Last evaluated: 2017-04-28. Review status: criteria provided, single submitter. Criteria: ICSL Variant Classification Criteria 13 December 2019. Collection method: clinical testing. Allele origin: germline.
Comment: the same text as in the submission from Illumina Laboratory Services, Illumina above.

Institute of Human Genetics, Univ. Regensburg, Univ. Regensburg
Classification: Likely pathogenic for Retinal dystrophy. Last evaluated: 2014-01-01. Review status: criteria provided, single submitter. Criteria: ACMG Guidelines, 2015. Collection method: clinical testing. Allele origin: germline. Affected: yes.

Breakthrough Genomics
Classification: Likely benign. Review status: criteria provided, single submitter. Criteria: ACMG Guidelines, 2015. Collection method: not provided. Allele origin: germline. Inheritance: Autosomal recessive inheritance. Affected: yes.

PreventionGenetics, part of Exact Sciences
Classification: Likely benign for PRPH2-related condition. Last evaluated: 2024-09-24. Review status: no assertion criteria provided. Collection method: clinical testing. Allele origin: germline. Not counted in ClinVar's aggregate classification.
Comment: This variant is classified as likely benign based on ACMG/AMP sequence variant interpretation guidelines (Richards et al. 2015 PMID: 25741868, with internal and published modifications).

Leiden Open Variation Database
Classification: Uncertain significance. Last evaluated: 2021-04-06. Review status: no assertion criteria provided. Collection method: curation. Allele origin: germline. Affected: yes. Not counted in ClinVar's aggregate classification.
Comment: Curator: Global Variome, with Curator vacancy. Submitters to LOVD: Julia Lopez, Manon Peeters, Yoshito Koyanagi.

Retina International
No classification provided. Review status: no classification provided. Collection method: not provided. Allele origin: not provided. Not counted in ClinVar's aggregate classification.

Literature cited by the submitters: PubMed 8675410 (cited by Illumina Laboratory Services, Illumina); PubMed 8994365 (cited by Illumina Laboratory Services, Illumina); PubMed 25474345 (cited by 3 submitters); PubMed 24629188 (cited by Illumina Laboratory Services, Illumina); PubMed 34411390 (cited by Institute of Human Genetics, Univ. Regensburg, Univ. Regensburg); PubMed 11139241 (cited by Leiden Open Variation Database); PubMed 31213501 (cited by Leiden Open Variation Database).

NM_000322.5(PRPH2):c.37C>T (p.Arg13Trp)

Gene: PRPH2 (peripherin 2; minus strand). Cytogenetic location: 6p21.1.
Variant type: single nucleotide variant.
Coding change: c.37C>T on transcript NM_000322.5 (MANE Select); coding-DNA position 37, C replaced by T.
Protein change: p.Arg13Trp; replaces arginine 13 with tryptophan.
Molecular consequence: missense variant.
Genome position (GRCh38, 1-based): chr6:42,722,298, G>A on the plus strand (C>T on the coding strand, the complement: PRPH2 is on the minus strand). VCF-style: chr6-42722298-G-A. GRCh37 (hg19) VCF-style: chr6-42690036-G-A.
Other names: short protein forms R13W.
Identifiers: ClinVar variation 98664 (VCV000098664.24), dbSNP rs61754402, ClinGen allele CA226230.
Genomic context (GRCh38, chr6:42,722,298, plus strand): 5'-TGATGCCAGCCAACACGGAGAACCAGTTCATGAGCCAGAGCCCTTGGGCCAACTTGACCC[G>A]CTTCTTCTGGTCAAACTTGACTTTCAGTAGCGCCATGCTTGCCAAGTGTAGTCCGGGTTG-3'
Protein context (NP_000313.2, residues 3-23): LLKVKFDQKK[Arg13Trp]VKLAQGLWLM